The following is an entry in ClinVar:

NM_007194.4(CHEK2):c.304G>T (p.Gly102Ter)

Gene: CHEK2 (checkpoint kinase 2; minus strand). Cytogenetic location: 22q12.1.
Variant type: single nucleotide variant.
Coding change: c.304G>T on transcript NM_007194.4 (MANE Select); coding-DNA position 304, G replaced by T.
Protein change: p.Gly102Ter; replaces glycine 102 with a stop codon.
Molecular consequence: nonsense.
Genome position (GRCh38, 1-based): chr22:28,734,418, C>A on the plus strand (G>T on the coding strand, the complement: CHEK2 is on the minus strand). VCF-style: chr22-28734418-C-A. GRCh37 (hg19) VCF-style: chr22-29130406-C-A.
Other names: c.304G>T, p.Gly102Ter (NM_001005735.3, NM_001349956.3, NM_145862.3); c.-474G>T (NM_001257387.3); short protein forms G102*.
Identifiers: ClinVar variation 232547 (VCV000232547.14), dbSNP rs876659833, ClinGen allele CA10581105.

ClinVar aggregate classification (germline): Pathogenic. Review status: criteria provided, multiple submitters, no conflicts (2 of 4 stars). 2 submissions from 2 submitters: Pathogenic (2). Last evaluated 2023-06-23.

Conditions:
Familial cancer of breast. Also called: BREAST CANCER, FAMILIAL; hereditary breast carcinoma; Hereditary breast cancer. Identifiers: Orphanet 227535, MedGen C0346153, MONDO:0016419, OMIM 114480. Disease mechanism: loss of function.
Hereditary cancer-predisposing syndrome. Also called: Neoplastic Syndromes, Hereditary; Tumor predisposition; Hereditary Cancer Syndrome; Hereditary neoplastic syndrome. Identifiers: Orphanet 140162, MedGen C0027672, MeSH D009386, MONDO:0015356.

Submissions (2):

Ambry Genetics
Classification: Pathogenic for Hereditary cancer-predisposing syndrome. Last evaluated: 2023-06-23. Review status: criteria provided, single submitter. Criteria: Ambry Variant Classification Scheme 2023. Collection method: clinical testing. Allele origin: germline.
Comment: The p.G102* pathogenic mutation (also known as c.304G>T), located in coding exon 1 of the CHEK2 gene, results from a G to T substitution at nucleotide position 304. This changes the amino acid from a glycine to a stop codon within coding exon 1. This alteration is expected to result in loss of function by premature protein truncation or nonsense-mediated mRNA decay. As such, this alteration is interpreted as a disease-causing mutation.

Labcorp Genetics (formerly Invitae), Labcorp
Classification: Pathogenic for Familial cancer of breast. Last evaluated: 2019-05-29. Review status: criteria provided, single submitter. Criteria: Invitae Variant Classification Sherloc (09022015). Collection method: clinical testing. Allele origin: germline.
Comment: Loss-of-function variants in CHEK2 are known to be pathogenic (PMID: 21876083, 24713400). This variant has not been reported in the literature in individuals with CHEK2-related conditions. ClinVar contains an entry for this variant (Variation ID: 232547). This variant is not present in population databases (ExAC no frequency). This sequence change creates a premature translational stop signal (p.Gly102*) in the CHEK2 gene. It is expected to result in an absent or disrupted protein product. For these reasons, this variant has been classified as Pathogenic.

Literature cited by the submitters: PubMed 21876083 (cited by Labcorp Genetics (formerly Invitae), Labcorp); PubMed 24713400 (cited by Labcorp Genetics (formerly Invitae), Labcorp).